The following is an entry in ClinVar:

ClinVar aggregate classification (germline): Benign/Likely benign. Review status: criteria provided, multiple submitters, no conflicts (2 of 4 stars). 16 submissions from 16 submitters: Benign (6); Likely benign (4). 6 of the submissions do not count toward it. Last evaluated 2025-03-04.

Conditions:
Breast and/or ovarian cancer. Identifiers: MedGen CN221562.
Breast neoplasm. Also called: Breast Neoplasms; Neoplasm of the breast; Neoplasm of breast; Breast tumor. Identifiers: MedGen C1458155, MeSH D001943, MONDO:0021100, HP:0100013. Disease mechanism: gain of function.
Familial cancer of breast. Also called: hereditary breast carcinoma; Hereditary breast cancer; BREAST CANCER, FAMILIAL. Identifiers: Orphanet 227535, MedGen C0346153, MONDO:0016419, OMIM 114480. Disease mechanism: loss of function.
Ataxia-telangiectasia syndrome (AT). Also called: ATAXIA-TELANGIECTASIA, COMPLEMENTATION GROUP A; ATAXIA-TELANGIECTASIA, FRESNO VARIANT; Ataxia-telangiectasia; LOUIS-BAR SYNDROME; Ataxia telangiectasia (A-T); Ataxia-telangiectasia, complementation group D. Identifiers: Orphanet 100, MedGen C0004135, MONDO:0008840, OMIM 208900.
Hereditary cancer-predisposing syndrome. Also called: Tumor predisposition; Hereditary Cancer Syndrome; Hereditary neoplastic syndrome; Neoplastic Syndromes, Hereditary. Identifiers: Orphanet 140162, MedGen C0027672, MeSH D009386, MONDO:0015356.

Submissions (16):

Center for Genomic Medicine, Rigshospitalet, Copenhagen University Hospital
Classification: Likely benign. Last evaluated: 2025-03-04. Review status: criteria provided, single submitter. Criteria: ACMG Guidelines, 2015. Collection method: clinical testing. Allele origin: germline.

Blueprint Genetics
Classification: Likely benign. Last evaluated: 2024-11-27. Review status: criteria provided, single submitter. Criteria: ACMG Guidelines, 2015. Collection method: clinical testing. Allele origin: germline.

Department of Pathology and Laboratory Medicine, Sinai Health System
Classification: Benign for Familial cancer of breast; Ataxia-telangiectasia syndrome. Last evaluated: 2024-09-30. Review status: criteria provided, single submitter. Criteria: ACMG Guidelines, 2015. Collection method: clinical testing. Allele origin: germline.

Myriad Genetics, Inc.
Classification: Likely benign for Familial cancer of breast. Last evaluated: 2024-04-26. Review status: criteria provided, single submitter. Criteria: Myriad Autosomal Dominant, Autosomal Recessive and X-Linked Classification Criteria (2023). Collection method: clinical testing. Allele origin: unknown.
Comment: This variant is considered likely benign. This variant is intronic and is not expected to impact mRNA splicing.

Unidad de Genómica Garrahan, Hospital de Pediatría Garrahan
Classification: Benign. Last evaluated: 2023-11-12. Review status: criteria provided, single submitter. Criteria: ACMG Guidelines, 2015. Collection method: clinical testing. Allele origin: germline. Affected: no. Observed: 64 variant alleles.
Comment: This variant is classified as Benign based on local population frequency. This variant was detected in 67% of patients studied by a panel of primary immunodeficiencies. Number of patients: 64. Only high quality variants are reported.

Molecular Genetics, Royal Melbourne Hospital
Classification: Benign for Breast neoplasm. Last evaluated: 2023-05-04. Review status: criteria provided, single submitter. Criteria: ACMG Guidelines, 2015. Collection method: clinical testing. Allele origin: germline. Affected: no.
Comment: Latino/Admixed American population allele frequency is 37.89% (rs34325032, 9319/23916 alleles, 111 homozygotes in gnomAD v2.1). Based on the classification scheme RMH Modified ACMG/AMP Guidelines v1.3.2, this variant is classified as BENIGN. Following criteria are met: BA1

CHEO Genetics Diagnostic Laboratory, Children's Hospital of Eastern Ontario
Classification: Benign for Breast and/or ovarian cancer. Last evaluated: 2021-04-21. Review status: criteria provided, single submitter. Criteria: ACMG Guidelines, 2015. Collection method: clinical testing. Allele origin: germline.

GeneDx
Classification: Benign. Last evaluated: 2019-08-30. Review status: criteria provided, single submitter. Criteria: GeneDx Variant Classification Process June 2021. Collection method: clinical testing. Allele origin: germline. Affected: yes.

Color Diagnostics, LLC DBA Color Health
Classification: Likely benign for Hereditary cancer-predisposing syndrome. Last evaluated: 2017-06-29. Review status: criteria provided, single submitter. Criteria: ACMG Guidelines, 2015. Collection method: clinical testing. Allele origin: germline.

Ambry Genetics
Classification: Benign for Hereditary cancer-predisposing syndrome. Last evaluated: 2013-10-11. Review status: criteria provided, single submitter. Criteria: Ambry Autosomal Dominant and X-Linked criteria (10/2015). Collection method: clinical testing. Allele origin: germline. Observed: 1 variant allele.

Clinical Genetics DNA and cytogenetics Diagnostics Lab, Erasmus MC, Erasmus Medical Center
Classification: Benign. Review status: no assertion criteria provided. Collection method: clinical testing. Allele origin: germline. Affected: yes. Study: VKGL Data-share Consensus. Not counted in ClinVar's aggregate classification.

Clinical Genetics Laboratory, Department of Pathology, Netherlands Cancer Institute
Classification: Benign. Review status: no assertion criteria provided. Collection method: clinical testing. Allele origin: germline. Affected: yes. Study: VKGL Data-share Consensus. Not counted in ClinVar's aggregate classification.

Clinical Genetics, Academic Medical Center
Classification: Benign. Review status: no assertion criteria provided. Collection method: clinical testing. Allele origin: germline. Affected: yes. Study: VKGL Data-share Consensus. Not counted in ClinVar's aggregate classification.

Diagnostic Laboratory, Department of Genetics, University Medical Center Groningen
Classification: Benign. Review status: no assertion criteria provided. Collection method: clinical testing. Allele origin: germline. Affected: yes. Study: VKGL Data-share Consensus. Not counted in ClinVar's aggregate classification.

Genome Diagnostics Laboratory, Amsterdam University Medical Center
Classification: Benign. Review status: no assertion criteria provided. Collection method: clinical testing. Allele origin: germline. Affected: yes. Study: VKGL Data-share Consensus. Not counted in ClinVar's aggregate classification.

Laboratory of Diagnostic Genome Analysis, Leiden University Medical Center (LUMC)
Classification: Likely benign. Review status: no assertion criteria provided. Collection method: clinical testing. Allele origin: germline. Affected: yes. Study: VKGL Data-share Consensus. Not counted in ClinVar's aggregate classification.

NM_000051.4(ATM):c.1236-3dup

Gene: ATM (ATM serine/threonine kinase; plus strand). Cytogenetic location: 11q22.3.
Variant type: Duplication.
Coding change: c.1236-3dup on transcript NM_000051.4 (MANE Select); 3 bases into the intron before coding-DNA position 1236, one base duplicated (T; older notation c.1236-3dupT).
Molecular consequence: intron variant.
Genome position (GRCh38, 1-based): chr11:108,250,698, T duplicated; the last of 15 consecutive T bases (chr11:108,250,684-108,250,698); duplicating any one gives the same sequence. VCF-style (leftmost placement, unchanged base first): chr11-108250683-C-CT. GRCh37 (hg19) VCF-style: chr11-108121410-C-CT.
Other names: c.1236-3dup (NM_001351834.2, NM_000051.2); c.1236-3dupT (NM_000051.4).
Identifiers: ClinVar variation 181847 (VCV000181847.27), dbSNP rs34325032, ClinGen allele CA163875.
Genomic context (GRCh38, chr11:108,250,683, plus strand): 5'-TACCATGTCTATATATTTCCTTTTAGTTTGTTAATGTGATGGAATAGTTTTCAAATTATC[C>CT]TTTTTTTTTTTTTTTAGGCTACAGATTGCAACCCAATTAATATCAAAGTATCCTGCAAGT-3'